The following is an entry in ClinVar:

NM_001386298.1(CIC):c.5617A>G (p.Ile1873Val)

Gene: CIC (capicua transcriptional repressor; plus strand). Cytogenetic location: 19q13.2.
Variant type: single nucleotide variant.
Coding change: c.5617A>G on transcript NM_001386298.1 (MANE Select); coding-DNA position 5617, A replaced by G.
Protein change: p.Ile1873Val; replaces isoleucine 1873 with valine.
Molecular consequence: missense variant.
Genome position (GRCh38, 1-based): chr19:42,292,089, A>G. VCF-style: chr19-42292089-A-G. GRCh37 (hg19) VCF-style: chr19-42796241-A-G.
Other names: c.5617A>G, p.Ile1873Val (NM_001304815.2, NM_001379480.1, NM_001379482.1 and 6 more transcripts); c.2890A>G, p.Ile964Val (NM_001379484.1, NM_001379485.1, NM_001439189.1 and 3 more transcripts); short protein forms I1873V, I964V.
Identifiers: ClinVar variation 5009491 (VCV005009491.1).

ClinVar aggregate classification (germline): Uncertain significance (1 of 4 stars; one submission).

Submission:

GeneDx
Classification: Uncertain significance. Last evaluated: 2026-03-19. Review status: criteria provided, single submitter. Criteria: GeneDx Variant Classification Process June 2021. Collection method: clinical testing. Allele origin: germline.
Comment: Not observed at significant frequency in large population cohorts (gnomAD); In silico analysis suggests that this missense variant does not alter protein structure/function; Has not been previously published as pathogenic or benign to our knowledge